The following is an entry in ClinVar:

ClinVar aggregate classification (germline): Uncertain significance (1 of 4 stars; one submission).

Allele frequency attached by ClinVar (database versions not stated): gnomAD 0.00001; gnomAD exomes 0.00001 and 0.00002; ExAC 0.00002; TOPMed 0.00002.
gnomAD v4.1: 28 of 1,613,566 alleles (0.0017%); highest among the groups gnomAD compares: Non-Finnish European, 0.0023%; no homozygotes.

Submission:

Labcorp Genetics (formerly Invitae), Labcorp
Classification: Uncertain significance. Last evaluated: 2022-03-22. Review status: criteria provided, single submitter. Criteria: Invitae Variant Classification Sherloc (09022015). Collection method: clinical testing. Allele origin: germline.
Comment: This sequence change replaces threonine, which is neutral and polar, with isoleucine, which is neutral and non-polar, at codon 4153 of the PCLO protein (p.Thr4153Ile). This variant is present in population databases (rs745316751, gnomAD 0.007%). This variant has not been reported in the literature in individuals affected with PCLO-related conditions. Algorithms developed to predict the effect of missense changes on protein structure and function are either unavailable or do not agree on the potential impact of this missense change (SIFT: "Deleterious"; PolyPhen-2: "Not Available"; Align-GVGD: "Class C0"). In summary, the available evidence is currently insufficient to determine the role of this variant in disease. Therefore, it has been classified as a Variant of Uncertain Significance.

NM_033026.6(PCLO):c.12458C>T (p.Thr4153Ile)

Gene: PCLO (piccolo presynaptic cytomatrix protein; minus strand). Cytogenetic location: 7q21.11.
Variant type: single nucleotide variant.
Coding change: c.12458C>T on transcript NM_033026.6 (MANE Select); coding-DNA position 12458, C replaced by T.
Protein change: p.Thr4153Ile; replaces threonine 4153 with isoleucine.
Molecular consequence: missense variant.
Genome position (GRCh38, 1-based): chr7:82,915,528, G>A on the plus strand (C>T on the coding strand, the complement: PCLO is on the minus strand). VCF-style: chr7-82915528-G-A. GRCh37 (hg19) VCF-style: chr7-82544844-G-A.
Other names: c.12458C>T, p.Thr4153Ile (NM_014510.3); short protein forms T4153I.
Identifiers: ClinVar variation 1496981 (VCV001496981.8), dbSNP rs745316751, ClinGen allele CA4319366.
Genomic context (GRCh38, chr7:82,915,528, plus strand): 5'-TTTTCAAGTGTGAGTCTACTGATGCTATACTTCTCAGATTTTGGAAAATGTCTGTAGCTA[G>A]TATCAGCATGGTAATAATGAGAAAGACCAGCAAGGTGATCTAAGCTCTCTGTCCCTCTAC-3'
Protein context (NP_149015.2, residues 4143-4163): AGLSHYYHAD[Thr4153Ile]SYRHFPKSEK